The following is an entry in ClinVar:

ClinVar aggregate classification (germline): Conflicting classifications of pathogenicity. Review status: criteria provided, conflicting classifications (1 of 4 stars). 9 submissions from 8 submitters: Uncertain significance (2); Benign (1); Likely benign (4). 2 of the submissions do not count toward it. Last evaluated 2026-01-26.

Conditions:
SLC17A5-related disorder. Also called: SLC17A5-related disorders; SLC17A5-related condition.
Salla disease (SD). Also called: Less Severe FSASD (Salla Disease); Sialuria, Finnish type; N-acetylneuraminic acid (NANA) storage disease (NSD); Infantile sialic acid storage disorder (ISSD). Identifiers: Orphanet 309334, Orphanet 834, MedGen C1096903, MONDO:0011449, OMIM 604369.
Sialic acid storage disease, severe infantile type (ISSD). Also called: N-ACETYLNEURAMINIC ACID STORAGE DISEASE; NANA STORAGE DISEASE; INFANTILE SIALIC ACID STORAGE DISORDER; Infantile Sialic Acid Storage Disease; SIALURIA, INFANTILE FORM; Free sialic acid storage disease, infantile form. Identifiers: Orphanet 309324, Orphanet 834, MedGen C1096902, MONDO:0010027, OMIM 269920.
Inborn genetic diseases. Identifiers: MedGen C0950123, MeSH D030342.

Allele frequency attached by ClinVar (database versions not stated): gnomAD exomes 0.00025 and 0.00026; ExAC 0.00026; gnomAD 0.00038 and 0.00041; ESP Exome Variant Server 0.00062; TOPMed 0.00065.
gnomAD v4.1: 429 of 1,610,958 alleles (0.027%); highest among the groups gnomAD compares: Middle Eastern, 0.21%; 1 homozygote.

Submissions (9):

Labcorp Genetics (formerly Invitae), Labcorp
Classification: Benign for Salla disease. Last evaluated: 2026-01-26. Review status: criteria provided, single submitter. Criteria: Invitae Variant Classification Sherloc (09022015). Collection method: clinical testing. Allele origin: germline.

Blueprint Genetics
Classification: Likely benign. Last evaluated: 2024-11-15. Review status: criteria provided, single submitter. Criteria: ACMG Guidelines, 2015. Collection method: clinical testing. Allele origin: germline.

CeGaT Center for Human Genetics Tuebingen
Classification: Likely benign. Last evaluated: 2024-02-01. Review status: criteria provided, single submitter. Criteria: CeGaT Center For Human Genetics Tuebingen Variant Classification Criteria Version 2. Collection method: clinical testing. Allele origin: germline. Affected: yes. Observed: 2 variant alleles.
Comment: SLC17A5: BP4, BP7

Ambry Genetics
Classification: Likely benign for Inborn genetic diseases. Last evaluated: 2022-02-17. Review status: criteria provided, single submitter. Criteria: Ambry Variant Classification Scheme 2023. Collection method: clinical testing. Allele origin: germline.

Genome-Nilou Lab
Classification: Likely benign for Salla disease. Last evaluated: 2021-09-05. Review status: criteria provided, single submitter. Criteria: ACMG Guidelines, 2015. Collection method: clinical testing. Allele origin: germline. Affected: no.

Illumina Laboratory Services, Illumina
Classification: Uncertain significance for Sialic acid storage disease, severe infantile type. Last evaluated: 2018-01-13. Review status: criteria provided, single submitter. Criteria: ICSL Variant Classification Criteria 13 December 2019. Collection method: clinical testing. Allele origin: germline.

Illumina Laboratory Services, Illumina
Classification: Uncertain significance for Salla disease. Last evaluated: 2018-01-13. Review status: criteria provided, single submitter. Criteria: ICSL Variant Classification Criteria 13 December 2019. Collection method: clinical testing. Allele origin: germline.

Natera, Inc.
Classification: Likely benign for Salla disease. Last evaluated: 2020-04-17. Review status: no assertion criteria provided. Collection method: clinical testing. Allele origin: germline. Not counted in ClinVar's aggregate classification.

PreventionGenetics, part of Exact Sciences
Classification: Likely benign for SLC17A5-related condition. Last evaluated: 2019-09-06. Review status: no assertion criteria provided. Collection method: clinical testing. Allele origin: germline. Not counted in ClinVar's aggregate classification.
Comment: This variant is classified as likely benign based on ACMG/AMP sequence variant interpretation guidelines (Richards et al. 2015 PMID: 25741868, with internal and published modifications).

NM_012434.5(SLC17A5):c.957C>A (p.Ile319=)

Gene: SLC17A5 (solute carrier family 17 member 5; minus strand). Cytogenetic location: 6q13.
Variant type: single nucleotide variant.
Coding change: c.957C>A on transcript NM_012434.5 (MANE Select); coding-DNA position 957, C replaced by A.
Protein change: p.Ile319=; no amino-acid change (isoleucine 319 retained).
Molecular consequence: synonymous variant.
Genome position (GRCh38, 1-based): chr6:73,621,825, G>T on the plus strand (C>A on the coding strand, the complement: SLC17A5 is on the minus strand). VCF-style: chr6-73621825-G-T. GRCh37 (hg19) VCF-style: chr6-74331548-G-T.
Identifiers: ClinVar variation 720734 (VCV000720734.51), dbSNP rs147732875, ClinGen allele CA3890389.